The following is an entry in ClinVar:

ClinVar aggregate classification (germline): Uncertain significance (1 of 4 stars; one submission).

Allele frequency attached by ClinVar (database versions not stated): gnomAD exomes below 0.00001.
gnomAD v4.1: 2 of 1,613,276 alleles (0.00012%); highest among the groups gnomAD compares: African/African-American, 0.0013%; no homozygotes.

Submission:

GeneDx
Classification: Uncertain significance. Last evaluated: 2023-03-31. Review status: criteria provided, single submitter. Criteria: GeneDx Variant Classification Process June 2021. Collection method: clinical testing. Allele origin: germline. Affected: yes.
Comment: Not observed at significant frequency in large population cohorts (gnomAD); In silico analysis supports that this missense variant does not alter protein structure/function; Has not been previously published as pathogenic or benign to our knowledge

NM_005097.4(LGI1):c.754A>G (p.Ile252Val)

Gene: LGI1 (leucine rich glioma inactivated 1; plus strand). Cytogenetic location: 10q23.33.
Variant type: single nucleotide variant.
Coding change: c.754A>G on transcript NM_005097.4 (MANE Select); coding-DNA position 754, A replaced by G.
Protein change: p.Ile252Val; replaces isoleucine 252 with valine.
Molecular consequence: missense variant. On other transcripts: non-coding transcript variant (1).
Genome position (GRCh38, 1-based): chr10:93,793,266, A>G. VCF-style: chr10-93793266-A-G. GRCh37 (hg19) VCF-style: chr10-95553023-A-G.
Other names: c.754A>G, p.Ile252Val (NM_001308275.2); c.610A>G, p.Ile204Val (NM_001308276.2); short protein forms I204V, I252V.
Identifiers: ClinVar variation 2446570 (VCV002446570.1), dbSNP rs2492906161, ClinGen allele CA377624223.